The following is an entry in ClinVar:

ClinVar aggregate classification (germline): Uncertain significance (1 of 4 stars; one submission).

Submission:

GeneDx
Classification: Uncertain significance. Last evaluated: 2024-05-15. Review status: criteria provided, single submitter. Criteria: GeneDx Variant Classification Process June 2021. Collection method: clinical testing. Allele origin: germline. Affected: yes.
Comment: Not observed at significant frequency in large population cohorts (gnomAD); In silico analysis supports that this missense variant has a deleterious effect on protein structure/function; Has not been previously published as pathogenic or benign to our knowledge

NM_002249.6(KCNN3):c.1313G>C (p.Gly438Ala)

Gene: KCNN3 (potassium calcium-activated channel subfamily N member 3; minus strand). Cytogenetic location: 1q21.3.
Variant type: single nucleotide variant.
Coding change: c.1313G>C on transcript NM_002249.6 (MANE Select); coding-DNA position 1313, G replaced by C.
Protein change: p.Gly438Ala; replaces glycine 438 with alanine.
Molecular consequence: missense variant.
Genome position (GRCh38, 1-based): chr1:154,772,110, C>G on the plus strand (G>C on the coding strand, the complement: KCNN3 is on the minus strand). VCF-style: chr1-154772110-C-G. GRCh37 (hg19) VCF-style: chr1-154744586-C-G.
Other names: c.1313G>C, p.Gly438Ala (NM_001204087.2); c.374G>C, p.Gly125Ala (NM_001365837.1, NM_001365838.1); c.398G>C, p.Gly133Ala (NM_170782.3); short protein forms G125A, G133A, G438A.
Identifiers: ClinVar variation 3377896 (VCV003377896.1).
Genomic context (GRCh38, chr1:154,772,110, plus strand): 5'-CAGATGGTCATGAGCGTCTTCATGACAAAGCGGGTGTTGAAGTTGATCTTGTTGAGGGCC[C>G]CGATGCTGCGGGACGAGGCATCGGTGAAGAGCTTGCTGTGCAGCAGCATGACTCGGGCGA-3'
Protein context (NP_002240.3, residues 428-448): LFTDASSRSI[Gly438Ala]ALNKINFNTR